The following is an entry in ClinVar:

NM_001042492.3(NF1):c.1857_1863del (p.Arg619fs)

Gene: NF1 (neurofibromin 1; plus strand). Cytogenetic location: 17q11.2.
Variant type: Deletion.
Coding change: c.1857_1863del on transcript NM_001042492.3 (MANE Select); coding-DNA positions 1857 to 1863, 7 bases deleted (AAGTTCC; older notation c.1857_1863delAAGTTCC).
Protein change: p.Arg619fs; shifts the reading frame from arginine 619.
Molecular consequence: frameshift variant.
Genome position (GRCh38, 1-based): chr17:31,225,106-31,225,112, AAGTTCC deleted. VCF-style (leftmost placement, unchanged base first): chr17-31225105-GAAGTTCC-G. GRCh37 (hg19) VCF-style: chr17-29552123-GAAGTTCC-G.
Other names: c.1857_1863delAAGTTCC, p.Arg619Serfs (NM_000267.4); short protein forms R619fs.
Identifiers: ClinVar variation 582772 (VCV000582772.5), dbSNP rs1567846634, ClinGen allele CA891844360.
Genomic context (GRCh38, chr17:31,225,105, plus strand): 5'-CTCTTGGTTGTCAGTGCTTCAGTAAAGCTTATTTATTTATTTTTTTCTAGCAGGCAGATA[GAAGTTCC>G]TGTCACTTTCTCCTTTTTTACGGGGTAGGATGTGATATTCCTTCTAGTGGAAATACCAGT-3'

ClinVar aggregate classification (germline): Pathogenic (1 of 4 stars; one submission).

Conditions:
Neurofibromatosis, type 1 (NF1). Also called: Peripheral type neurofibromatosis; VON RECKLINGHAUSEN DISEASE; NEUROFIBROMATOSIS, TYPE I, SOMATIC; Neurofibromatosis, type I. Identifiers: Orphanet 636, MedGen C0027831, MONDO:0018975, OMIM 162200. Disease mechanism: loss of function.

Submission:

Labcorp Genetics (formerly Invitae), Labcorp
Classification: Pathogenic for Neurofibromatosis, type 1. Last evaluated: 2018-04-24. Review status: criteria provided, single submitter. Criteria: Invitae Variant Classification Sherloc (09022015). Collection method: clinical testing. Allele origin: germline.
Comment: This variant has not been reported in the literature in individuals with NF1-related disease. For these reasons, this variant has been classified as Pathogenic. Loss-of-function variants in NF1 are known to be pathogenic (PMID: 10712197, 23913538). This variant is not present in population databases (ExAC no frequency). This sequence change creates a premature translational stop signal (p.Arg619Serfs*10) in the NF1 gene. It is expected to result in an absent or disrupted protein product.

Literature cited by the submitters: PubMed 10712197; PubMed 23913538.